The following is an entry in ClinVar:

ClinVar aggregate classification (germline): Uncertain significance (1 of 4 stars; one submission).

Conditions:
Glycine encephalopathy. Also called: Non-ketotic hyperglycinemia; Nonketotic hyperglycinemia. Identifiers: Orphanet 407, MedGen C0751748, MONDO:0011612, HP:0008288.

gnomAD v4.1: 2 of 1,613,786 alleles (0.00012%); highest among the groups gnomAD compares: Non-Finnish European, 0.00017%; no homozygotes.

Submission:

Labcorp Genetics (formerly Invitae), Labcorp
Classification: Uncertain significance for Glycine encephalopathy. Last evaluated: 2021-08-04. Review status: criteria provided, single submitter. Criteria: Invitae Variant Classification Sherloc (09022015). Collection method: clinical testing. Allele origin: germline.
Comment: This sequence change replaces proline with histidine at codon 940 of the GLDC protein (p.Pro940His). The proline residue is weakly conserved and there is a moderate physicochemical difference between proline and histidine. This variant is not present in population databases (ExAC no frequency). This variant has not been reported in the literature in individuals affected with GLDC-related conditions. Advanced modeling of protein sequence and biophysical properties (such as structural, functional, and spatial information, amino acid conservation, physicochemical variation, residue mobility, and thermodynamic stability) performed at Invitae indicates that this missense variant is not expected to disrupt GLDC protein function. In summary, the available evidence is currently insufficient to determine the role of this variant in disease. Therefore, it has been classified as a Variant of Uncertain Significance.

NM_000170.3(GLDC):c.2819C>A (p.Pro940His)

Gene: GLDC (glycine decarboxylase; minus strand). Cytogenetic location: 9p24.1.
Variant type: single nucleotide variant.
Coding change: c.2819C>A on transcript NM_000170.3 (MANE Select); coding-DNA position 2819, C replaced by A.
Protein change: p.Pro940His; replaces proline 940 with histidine.
Molecular consequence: missense variant.
Genome position (GRCh38, 1-based): chr9:6,536,083, G>T on the plus strand (C>A on the coding strand, the complement: GLDC is on the minus strand). VCF-style: chr9-6536083-G-T. GRCh37 (hg19) VCF-style: chr9-6536083-G-T.
Other names: short protein forms P940H.
Identifiers: ClinVar variation 1495026 (VCV001495026.5), dbSNP rs2129649391, ClinGen allele CA372882521.